The following is an entry in ClinVar:

NM_002292.4(LAMB2):c.4907_4908del (p.Glu1636fs)

Gene: LAMB2 (laminin subunit beta 2; minus strand). Cytogenetic location: 3p21.31.
Variant type: Microsatellite.
Coding change: c.4907_4908del on transcript NM_002292.4 (MANE Select); coding-DNA positions 4907 to 4908, 2 bases deleted (AG; older notation c.4907_4908delAG).
Protein change: p.Glu1636fs; shifts the reading frame from glutamic acid 1636.
Molecular consequence: frameshift variant.
Genome position (GRCh38, 1-based): chr3:49,121,959-49,121,960, CT deleted on the plus strand (AG on the coding strand, the reverse complement: LAMB2 is on the minus strand); deleting any 2 consecutive bases within chr3:49,121,959-49,121,962 gives the same sequence; the c. name uses the placement nearest the transcript's 3' end. VCF-style (leftmost placement, unchanged base first): chr3-49121958-GCT-G. GRCh37 (hg19) VCF-style: chr3-49159391-GCT-G.
Other names: short protein forms E1636fs.
Identifiers: ClinVar variation 2636231 (VCV002636231.1), dbSNP rs2472510703, ClinGen allele CA2586972496.

ClinVar aggregate classification (germline): Likely pathogenic (1 of 4 stars; one submission).

Conditions:
LAMB2-related disorder. Also called: LAMB2-related condition.

Submission:

PreventionGenetics, part of Exact Sciences
Classification: Likely pathogenic for LAMB2-related condition. Last evaluated: 2022-09-02. Review status: criteria provided, single submitter. Criteria: ACMG Guidelines, 2015. Collection method: clinical testing. Allele origin: germline.
Comment: The LAMB2 c.4907_4908delAG variant is predicted to result in a frameshift and premature protein termination (p.Glu1636Alafs*22). This variant was reported in the homozygous state in an individual with Pierson syndrome (Patient 38.1, Matejas et al. 2010. PubMed ID: 20556798). This variant has not been reported in a large population database, indicating this variant is rare. Frameshift variants in LAMB2 are expected to be pathogenic. This variant is interpreted as likely pathogenic.